The following is an entry in ClinVar:

NM_022124.6(CDH23):c.6377del (p.Arg2126fs)

Gene: CDH23 (cadherin related 23; plus strand). Cytogenetic location: 10q22.1.
Variant type: Deletion.
Coding change: c.6377del on transcript NM_022124.6 (MANE Select); coding-DNA position 6377, one base deleted (G; older notation c.6377delG).
Protein change: p.Arg2126fs; shifts the reading frame from arginine 2126.
Molecular consequence: frameshift variant.
Genome position (GRCh38, 1-based): chr10:71,793,305, G deleted. VCF-style (leftmost placement, unchanged base first): chr10-71793304-CG-C. GRCh37 (hg19) VCF-style: chr10-73553061-CG-C.
Other names: short protein forms R2126fs.
Identifiers: ClinVar variation 4816090 (VCV004816090.1).

ClinVar aggregate classification (germline): Likely pathogenic (1 of 4 stars; one submission).

Conditions:
Usher syndrome type 1 (USH1). Also called: RETINITIS PIGMENTOSA AND CONGENITAL DEAFNESS. Identifiers: Orphanet 231169, Orphanet 886, MedGen C1568247, MONDO:0010168, OMIM 276900.

Submission:

Natera, Inc.
Classification: Likely pathogenic for Usher syndrome type 1. Last evaluated: 2024-12-11. Review status: criteria provided, single submitter. Criteria: Natera Variant Classification Schema (03/2026). Collection method: clinical testing. Allele origin: germline.
Comment: The c.6377del variant in CDH23 is a frameshift variant predicted to shift the reading frame beginning at codon 2126 and leads to a stop codon 17 codons downstream. This variant is expected to result in nonsense mediated decay, truncation, or a dysfunctional protein product. This variant is rare in the general population with a frequency below the threshold expected for the associated phenotype(s). Given the available evidence, this variant is classified as Likely Pathogenic.